The following is an entry in ClinVar:

NM_001194998.2(CEP152):c.972+236G>A

Gene: CEP152 (centrosomal protein 152; minus strand). Cytogenetic location: 15q21.1.
Variant type: single nucleotide variant.
Coding change: c.972+236G>A on transcript NM_001194998.2 (MANE Select); 236 bases into the intron after coding-DNA position 972, G replaced by A.
Molecular consequence: intron variant.
Genome position (GRCh38, 1-based): chr15:48,791,001, C>T on the plus strand (G>A on the coding strand, the complement: CEP152 is on the minus strand). VCF-style: chr15-48791001-C-T. GRCh37 (hg19) VCF-style: chr15-49083198-C-T.
Other names: c.972+236G>A (NM_014985.4).
Identifiers: ClinVar variation 678333 (VCV000678333.1), dbSNP rs78162340, ClinGen allele CA269568784.

ClinVar aggregate classification (germline): Likely benign (1 of 4 stars; one submission).

Allele frequency attached by ClinVar (database versions not stated): gnomAD 0.02152 and 0.02758; TOPMed 0.03334; 1000 Genomes Project 0.08566; 1000 Genomes Project 30x 0.08573.
gnomAD v4.1: 4,199 of 152,218 alleles (2.8%); highest among the groups gnomAD compares: East Asian, 15%; 265 homozygotes.

Submission:

GeneDx
Classification: Likely benign. Last evaluated: 2018-06-16. Review status: criteria provided, single submitter. Criteria: GeneDx Variant Classification (06012015). Collection method: clinical testing. Allele origin: germline. Affected: yes.
Comment: This variant is considered likely benign or benign based on one or more of the following criteria: it is a conservative change, it occurs at a poorly conserved position in the protein, it is predicted to be benign by multiple in silico algorithms, and/or has population frequency not consistent with disease.